The following is an entry in ClinVar:

ClinVar aggregate classification (germline): Likely benign (1 of 4 stars; one submission).

Conditions:
EP300-related disorder. Also called: EP300-related condition; EP300-related disorders.

gnomAD v4.1: 2 of 1,614,168 alleles (0.00012%); highest among the groups gnomAD compares: Non-Finnish European, 0.00017%; no homozygotes.

Submission:

PreventionGenetics, part of Exact Sciences
Classification: Likely benign for EP300-related condition. Last evaluated: 2026-03-22. Review status: criteria provided, single submitter. Criteria: ACMG Guidelines, 2015. Collection method: clinical testing. Allele origin: germline.
Comment: This variant is classified as likely benign based on ACMG/AMP sequence variant interpretation guidelines (Richards et al. 2015 PMID: 25741868, with internal and published modifications).

NM_001429.4(EP300):c.5817G>A (p.Gln1939=)

Gene: EP300 (EP300 lysine acetyltransferase; plus strand). Cytogenetic location: 22q13.2.
Variant type: single nucleotide variant.
Coding change: c.5817G>A on transcript NM_001429.4 (MANE Select); coding-DNA position 5817, G replaced by A.
Protein change: p.Gln1939=; no amino-acid change (glutamine 1939 retained).
Molecular consequence: synonymous variant.
Genome position (GRCh38, 1-based): chr22:41,177,528, G>A. VCF-style: chr22-41177528-G-A. GRCh37 (hg19) VCF-style: chr22-41573532-G-A.
Other names: c.5739G>A, p.Gln1913= (NM_001362843.2).
Identifiers: ClinVar variation 4986275 (VCV004986275.1).
Genomic context (GRCh38, chr22:41,177,528, plus strand): 5'-AGGGCCCCCACCTGCAGCAGTGGAAATGGCAATGCAGATTCAGAGAGCAGCGGAGACGCA[G>A]CGCCAGATGGCCCACGTGCAAATTTTTCAAAGGCCAATCCAACACCAGATGCCCCCGATG-3'
Protein context (NP_001420.2, residues 1929-1949): AMQIQRAAET[Gln1939=]RQMAHVQIFQ